The following is an entry in ClinVar:

ClinVar aggregate classification (germline): Uncertain significance (1 of 4 stars; one submission).

Conditions:
Hereditary cancer-predisposing syndrome. Also called: Neoplastic Syndromes, Hereditary; Tumor predisposition; Hereditary Cancer Syndrome; Hereditary neoplastic syndrome. Identifiers: Orphanet 140162, MedGen C0027672, MeSH D009386, MONDO:0015356.

Submission:

Ambry Genetics
Classification: Uncertain significance for Hereditary cancer-predisposing syndrome. Last evaluated: 2022-02-24. Review status: criteria provided, single submitter. Criteria: Ambry Variant Classification Scheme 2023. Collection method: clinical testing. Allele origin: germline.
Comment: The p.I245K variant (also known as c.734T>A), located in coding exon 4 of the MSH6 gene, results from a T to A substitution at nucleotide position 734. The isoleucine at codon 245 is replaced by lysine, an amino acid with dissimilar properties. This amino acid position is conserved. In addition, this alteration is predicted to be tolerated by in silico analysis. Since supporting evidence is limited at this time, the clinical significance of this alteration remains unclear.

NM_000179.3(MSH6):c.734T>A (p.Ile245Lys)

Gene: MSH6 (mutS homolog 6; plus strand). Cytogenetic location: 2p16.3.
Variant type: single nucleotide variant.
Coding change: c.734T>A on transcript NM_000179.3 (MANE Select); coding-DNA position 734, T replaced by A.
Protein change: p.Ile245Lys; replaces isoleucine 245 with lysine.
Molecular consequence: missense variant. On other transcripts: 5 prime UTR variant (2).
Genome position (GRCh38, 1-based): chr2:47,798,717, T>A. VCF-style: chr2-47798717-T-A. GRCh37 (hg19) VCF-style: chr2-48025856-T-A.
Other names: c.734T>A, p.Ile245Lys (NM_001406803.1, NM_001406808.1, NM_001406796.1 and 4 more transcripts); c.656T>A, p.Ile219Lys (NM_001406804.1); c.437T>A, p.Ile146Lys (NM_001406805.1, NM_001406797.1, NM_001406801.1 and 10 more transcripts); c.209T>A, p.Ile70Lys (NM_001406806.1, NM_001406807.1, NM_001406799.1); c.344T>A, p.Ile115Lys (NM_001281492.2); c.-173T>A (NM_001281493.2, NM_001281494.2, NM_001406811.1 and 6 more transcripts); c.830T>A, p.Ile277Lys (NM_001406795.1, NM_001406802.1); c.740T>A, p.Ile247Lys (NM_001406813.1); and 1 more; short protein forms I219K, I247K, I146K, I70K, I115K, I189K, I245K, I277K.
Identifiers: ClinVar variation 1758449 (VCV001758449.2), dbSNP rs1246977317, ClinGen allele CA346740052.